The following is an entry in ClinVar:

ClinVar aggregate classification (germline): Uncertain significance. Review status: criteria provided, multiple submitters, no conflicts (2 of 4 stars). 2 submissions from 2 submitters: Uncertain significance (2). Last evaluated 2023-02-27.

Conditions:
Inborn genetic diseases. Identifiers: MedGen C0950123, MeSH D030342.
Nephronophthisis 18 (NPHP18). Identifiers: Orphanet 655, MedGen C3890591, MONDO:0014374, OMIM 615862.

Allele frequency attached by ClinVar (database versions not stated): gnomAD 0.00001; gnomAD exomes 0.00002.
gnomAD v4.1: 24 of 1,601,504 alleles (0.0015%); highest among the groups gnomAD compares: Non-Finnish European, 0.0019%; no homozygotes.

Submissions (2):

Ambry Genetics
Classification: Uncertain significance for Inborn genetic diseases. Last evaluated: 2023-02-27. Review status: criteria provided, single submitter. Criteria: Ambry Variant Classification Scheme 2023. Collection method: clinical testing. Allele origin: germline.

Labcorp Genetics (formerly Invitae), Labcorp
Classification: Uncertain significance for Nephronophthisis 18. Last evaluated: 2022-06-03. Review status: criteria provided, single submitter. Criteria: Invitae Variant Classification Sherloc (09022015). Collection method: clinical testing. Allele origin: germline.
Comment: This sequence change replaces histidine, which is basic and polar, with tyrosine, which is neutral and polar, at codon 56 of the CEP83 protein (p.His56Tyr). This variant is not present in population databases (gnomAD no frequency). This variant has not been reported in the literature in individuals affected with CEP83-related conditions. ClinVar contains an entry for this variant (Variation ID: 1418934). Algorithms developed to predict the effect of missense changes on protein structure and function are either unavailable or do not agree on the potential impact of this missense change (SIFT: "Not Available"; PolyPhen-2: "Probably Damaging"; Align-GVGD: "Not Available"). In summary, the available evidence is currently insufficient to determine the role of this variant in disease. Therefore, it has been classified as a Variant of Uncertain Significance.

NM_016122.3(CEP83):c.166C>T (p.His56Tyr)

Gene: CEP83 (centrosomal protein 83; minus strand). Cytogenetic location: 12q22.
Variant type: single nucleotide variant.
Coding change: c.166C>T on transcript NM_016122.3 (MANE Select); coding-DNA position 166, C replaced by T.
Protein change: p.His56Tyr; replaces histidine 56 with tyrosine.
Molecular consequence: missense variant. On other transcripts: non-coding transcript variant (1), intron variant (6).
Genome position (GRCh38, 1-based): chr12:94,412,325, G>A on the plus strand (C>T on the coding strand, the complement: CEP83 is on the minus strand). VCF-style: chr12-94412325-G-A. GRCh37 (hg19) VCF-style: chr12-94806101-G-A.
Other names: c.166C>T (NM_016122.2); c.166C>T, p.His56Tyr (NM_001042399.2, NM_001346457.2, NM_001346460.2 and 4 more transcripts); c.-140+192C>T (NM_001346459.2, NM_001346458.2, NM_001368040.1 and 3 more transcripts); short protein forms H56Y.
Identifiers: ClinVar variation 1418934 (VCV001418934.9), dbSNP rs2063937105, ClinGen allele CA386144471.